The following is an entry in ClinVar:

ClinVar aggregate classification (germline): Uncertain significance. Review status: criteria provided, multiple submitters, no conflicts (2 of 4 stars). 2 submissions from 2 submitters: Uncertain significance (2). Last evaluated 2025-01-30.

Conditions:
Inborn genetic diseases. Identifiers: MedGen C0950123, MeSH D030342.

gnomAD v4.1: 4 of 1,613,692 alleles (0.00025%); highest among the groups gnomAD compares: Non-Finnish European, 0.00034%; no homozygotes.

Submissions (2):

Ambry Genetics
Classification: Uncertain significance for Inborn genetic diseases. Last evaluated: 2025-01-30. Review status: criteria provided, single submitter. Criteria: Ambry Variant Classification Scheme 2023. Collection method: clinical testing. Allele origin: germline.

Labcorp Genetics (formerly Invitae), Labcorp
Classification: Uncertain significance. Last evaluated: 2020-11-04. Review status: criteria provided, single submitter. Criteria: Invitae Variant Classification Sherloc (09022015). Collection method: clinical testing. Allele origin: germline.
Comment: Algorithms developed to predict the effect of sequence changes on RNA splicing suggest that this variant may create or strengthen a splice site, but this prediction has not been confirmed by published transcriptional studies. In summary, the available evidence is currently insufficient to determine the role of this variant in disease. Therefore, it has been classified as a Variant of Uncertain Significance. Algorithms developed to predict the effect of missense changes on protein structure and function are either unavailable or do not agree on the potential impact of this missense change (SIFT: "Deleterious"; PolyPhen-2: "Probably Damaging"; Align-GVGD: "Class C0"). This variant has not been reported in the literature in individuals with RTN4IP1-related conditions. This variant is not present in population databases (ExAC no frequency). This sequence change replaces phenylalanine with valine at codon 342 of the RTN4IP1 protein (p.Phe342Val). The phenylalanine residue is highly conserved and there is a small physicochemical difference between phenylalanine and valine.

NM_032730.5(RTN4IP1):c.1024T>G (p.Phe342Val)

Gene: RTN4IP1 (reticulon 4 interacting protein 1; minus strand). Cytogenetic location: 6q21.
Variant type: single nucleotide variant.
Coding change: c.1024T>G on transcript NM_032730.5 (MANE Select); coding-DNA position 1024, T replaced by G.
Protein change: p.Phe342Val; replaces phenylalanine 342 with valine.
Molecular consequence: missense variant.
Genome position (GRCh38, 1-based): chr6:106,583,387, A>C on the plus strand (T>G on the coding strand, the complement: RTN4IP1 is on the minus strand). VCF-style: chr6-106583387-A-C. GRCh37 (hg19) VCF-style: chr6-107031262-A-C.
Other names: c.1024T>G (NM_032730.4); c.724T>G, p.Phe242Val (NM_001318746.1); short protein forms F342V, F242V.
Identifiers: ClinVar variation 1486522 (VCV001486522.9), dbSNP rs760197663, ClinGen allele CA365150532.